The following is an entry in ClinVar:

NM_001130009.3(GEN1):c.708G>T (p.Gln236His)

Gene: GEN1 (GEN1 structure-specific endonuclease; plus strand). Cytogenetic location: 2p24.2.
Variant type: single nucleotide variant.
Coding change: c.708G>T on transcript NM_001130009.3 (MANE Select); coding-DNA position 708, G replaced by T.
Protein change: p.Gln236His; replaces glutamine 236 with histidine.
Molecular consequence: missense variant.
Genome position (GRCh38, 1-based): chr2:17,768,809, G>T. VCF-style: chr2-17768809-G-T. GRCh37 (hg19) VCF-style: chr2-17950076-G-T.
Other names: c.708G>T, p.Gln236His (NM_182625.5); short protein forms Q236H.
Identifiers: ClinVar variation 5022348 (VCV005022348.1).

ClinVar aggregate classification (germline): Uncertain significance (1 of 4 stars; one submission).

Submission:

Ambry Genetics
Classification: Uncertain significance. Last evaluated: 2026-08-31. Review status: criteria provided, single submitter. Criteria: Ambry Variant Classification Scheme 2023. Collection method: clinical testing. Allele origin: germline.
Comment: The p.Q236H variant (also known as c.708G>T), located in coding exon 5 of the GEN1 gene, results from a G to T substitution at nucleotide position 708. The glutamine at codon 236 is replaced by histidine, an amino acid with highly similar properties. This amino acid position is conserved. In addition, this alteration is predicted to be tolerated by in silico analysis. Based on the available evidence, the clinical significance of this variant remains unclear.